The following is an entry in ClinVar:

NM_020778.5(ALPK3):c.4499+2dup

Gene: ALPK3 (alpha kinase 3; plus strand). Cytogenetic location: 15q25.3.
Variant type: Duplication.
Coding change: c.4499+2dup on transcript NM_020778.5 (MANE Select); the canonical splice donor site of the intron after coding-DNA position 4499, one base duplicated (T; older notation c.4499+2dupT).
Molecular consequence: splice donor variant.
Genome position (GRCh38, 1-based): chr15:84,863,642, T duplicated. VCF-style (leftmost placement, unchanged base first): chr15-84863641-G-GT. GRCh37 (hg19) VCF-style: chr15-85406872-G-GT.
Identifiers: ClinVar variation 1519831 (VCV001519831.22), dbSNP rs753084997, ClinGen allele CA7709988.
Genomic context (GRCh38, chr15:84,863,641, plus strand): 5'-GTACTGCAAAATCTTCGCAGCAGAAGCCCGGGCCGCGCCTGGCTTTGGGGAGGTGCCTGA[G>GT]TAAGTACGCAGCGAGGAGGACGTGCAGTGTGCAGCACTGTTGCCTTGGGCTTCTGCAAAG-3'

ClinVar aggregate classification (germline): Conflicting classifications of pathogenicity. Review status: criteria provided, conflicting classifications (1 of 4 stars). 7 submissions from 7 submitters: Likely pathogenic (1); Uncertain significance (6). Last evaluated 2026-02-03.

Conditions:
ALPK3-related disorder. Also called: ALPK3-related condition.
Cardiovascular phenotype. Identifiers: MedGen CN230736.
Cardiomyopathy, familial hypertrophic 27. Identifiers: MedGen C4748014, MONDO:0054838, OMIM 618052.

Allele frequency attached by ClinVar (database versions not stated): gnomAD 0.00003 and 0.00004; TOPMed 0.00003; gnomAD exomes 0.00005 and 0.00001; ExAC 0.00001.

Submissions (7):

Labcorp Genetics (formerly Invitae), Labcorp
Classification: Uncertain significance. Last evaluated: 2026-02-03. Review status: criteria provided, single submitter. Criteria: Invitae Variant Classification Sherloc (09022015). Collection method: clinical testing. Allele origin: germline.
Comment: This sequence change falls in intron 11 of the ALPK3 gene. It does not directly change the encoded amino acid sequence of the ALPK3 protein. It affects a nucleotide within the consensus splice site. This variant is present in population databases (rs753084997, gnomAD 0.007%). This variant has not been reported in the literature in individuals affected with ALPK3-related conditions. ClinVar contains an entry for this variant (Variation ID: 1519831). Variants that disrupt the consensus splice site are a relatively common cause of aberrant splicing (PMID: 17576681, 9536098). Algorithms developed to predict the effect of sequence changes on RNA splicing suggest that this variant may disrupt the consensus splice site. In summary, the available evidence is currently insufficient to determine the role of this variant in disease. Therefore, it has been classified as a Variant of Uncertain Significance.

PreventionGenetics, part of Exact Sciences
Classification: Uncertain significance for ALPK3-related condition. Last evaluated: 2025-10-01. Review status: criteria provided, single submitter. Criteria: ACMG Guidelines, 2015. Collection method: clinical testing. Allele origin: germline.
Comment: The ALPK3 c.5105+2dupT variant is predicted to result in an intronic duplication. This variant is predicted to impact splicing based on splicing prediction programs (SpliceAI, Jaganathan et al. 2019. PubMed ID: 30661751). However, the use of computer prediction programs is not equivalent to functional evidence. This variant was identified in an individual with tetralogy of Fallot, severe left ventricular non-compaction, heart failure, and dysmorphic features; however, this individual also had heterozygous variants in CACNA1C and TPM1 (Bozarth et al. 2018. PubMed ID: 30513141). Another splice variant near this location (c.5105+5G>C) has been reported in twins with neonatal onset dilated cardiomyopathy who also had a second ALPK3 variant (Herkert et al. 2020. PubMed ID: 32480058). This variant is reported in 0.0062% of alleles in individuals of African descent in gnomAD. Although we suspect that this variant may be pathogenic, at this time, the clinical significance of this variant is uncertain due to the absence of conclusive functional and genetic evidence.

CeGaT Center for Human Genetics Tuebingen
Classification: Uncertain significance. Last evaluated: 2025-09-01. Review status: criteria provided, single submitter. Criteria: CeGaT Center For Human Genetics Tuebingen Variant Classification Criteria Version 2. Collection method: clinical testing. Allele origin: germline. Affected: yes. Observed: 1 variant allele.
Comment: ALPK3: PM2, PP4

Victorian Clinical Genetics Services, Murdoch Childrens Research Institute
Classification: Uncertain significance for Cardiomyopathy, familial hypertrophic 27. Last evaluated: 2024-10-11. Review status: criteria provided, single submitter. Criteria: ACMG Guidelines, 2015. Collection method: clinical testing. Allele origin: germline. Inheritance: Autosomal recessive inheritance. Affected: yes.
Comment: Based on the classification scheme VCGS_Germline_v1.3.5, this variant is classified as VUS-3B. Following criteria are met: 0102 - Loss of function is a known mechanism of disease in this gene and is associated with familial hypertrophic cardiomyopathy 27 (MIM#618052). (I) 0108 - This gene is associated with both recessive and dominant disease (PMID: 34263907). (I) 0112 - The condition associated with this gene has incomplete penetrance. Age-dependent penetrance has been observed in the autosomal dominant condition (PMID: 32480058, 34263907). (I) 0212 - Non-canonical splice site variant without proven consequence on splicing (no functional evidence available). (SP) 0251 - This variant is heterozygous. (I) 0304 - Variant is present in gnomAD <0.01 (v4: 84 heterozygotes, 0 homozygotes). (SP) 0311 - A nucleotide change in the same splice region, is present in gnomAD (v4) (3 heterozygotes, 0 homozygotes). (I) 0508 - In silico predictions for abnormal splicing are conflicting. (I) 0705 - No comparable variants have previous evidence for pathogenicity. (I) 0808 - Previous evidence of pathogenicity for this variant are conflicting. This variant has been reported as twice as a VUS and once as likely pathogenic (ClinVar). In one of the VUS submissions this variant was identified in an unaffected individual (Invitae personal correspondence). This variant has also been reported as a VUS-3B in an individual with dilated cardiomyopathy (VCGS). (I) 0905 - No published segregation evidence has been identified for this variant. (I) 1007 - No published functional evidence has been identified for this variant. (I) 1208 - Inheritance information for this variant is not currently available in this individual. (I) Legend: (SP) - Supporting pathogenic, (I) - Information, (SB) - Supporting benign

Ambry Genetics
Classification: Uncertain significance for Cardiovascular phenotype. Last evaluated: 2024-08-10. Review status: criteria provided, single submitter. Criteria: Ambry Variant Classification Scheme 2023. Collection method: clinical testing. Allele origin: germline.
Comment: The c.5105+2dupT intronic variant, results from a duplication of two nucleotides at nucleotide position 5105 after intron 11 of the ALPK3 gene. This variant was identified in one individual with developmental delays, mild dysmorphic features, tetralogy of Fallot, and left ventricular non-compaction; this individual was also heterozygous for variants in the CACNA1C and TPM1 genes (Bozarth X et al. Am. J. Med. Genet. A, 2018 12;176:2733-2739). This variant co-occurred with a second ALPK3 variant in twins who presented with neonatal onset dilated cardiomyopathy, then left ventricular hypertrophy (Herkert JC et al. Am Heart J, 2020 07;225:108-119). This nucleotide position is highly conserved in available vertebrate species. In silico splice site analysis predicts that this alteration may weaken the native splice donor site and will result in the creation or strengthening of a novel splice donor site. Since supporting evidence is limited at this time, the clinical significance of this alteration remains unclear.

Blueprint Genetics
Classification: Uncertain significance. Last evaluated: 2024-04-26. Review status: criteria provided, single submitter. Criteria: ACMG Guidelines, 2015. Collection method: clinical testing. Allele origin: germline.

GeneDx
Classification: Likely pathogenic. Last evaluated: 2022-07-20. Review status: criteria provided, single submitter. Criteria: GeneDx Variant Classification Process June 2021. Collection method: clinical testing. Allele origin: germline. Affected: yes.
Comment: Canonical splice site variant expected to result in aberrant splicing, although in the absence of functional evidence the actual effect of this sequence change is unknown; Not observed at significant frequency in large population cohorts (gnomAD); This variant is associated with the following publications: (PMID: 30513141)

Literature cited by the submitters: PubMed 17576681 (cited by Labcorp Genetics (formerly Invitae), Labcorp); PubMed 9536098 (cited by Labcorp Genetics (formerly Invitae), Labcorp); PubMed 32480058 (cited by Victorian Clinical Genetics Services, Murdoch Childrens Research Institute and Ambry Genetics); PubMed 34263907 (cited by Victorian Clinical Genetics Services, Murdoch Childrens Research Institute); PubMed 30513141 (cited by Ambry Genetics).